The following is an entry in ClinVar:

NM_000038.6(APC):c.5363G>A (p.Arg1788His)

Gene: APC (APC regulator of Wnt signaling pathway; plus strand). Cytogenetic location: 5q22.2.
Variant type: single nucleotide variant.
Coding change: c.5363G>A on transcript NM_000038.6 (MANE Select); coding-DNA position 5363, G replaced by A.
Protein change: p.Arg1788His; replaces arginine 1788 with histidine.
Molecular consequence: missense variant.
Genome position (GRCh38, 1-based): chr5:112,840,957, G>A. VCF-style: chr5-112840957-G-A. GRCh37 (hg19) VCF-style: chr5-112176654-G-A.
Other names: p.R1788H:CGT>CAT; c.5363G>A, p.Arg1788His (NM_001354895.2, NM_001127510.3); c.5417G>A, p.Arg1806His (NM_001354896.2); c.5393G>A, p.Arg1798His (NM_001354897.2); c.5288G>A, p.Arg1763His (NM_001354898.2); c.5279G>A, p.Arg1760His (NM_001354899.2); c.5240G>A, p.Arg1747His (NM_001354900.2); c.5186G>A, p.Arg1729His (NM_001354901.2); and 6 more; short protein forms R1770H, R1788H, R1628H, R1662H, R1697H, R1687H, R1505H, R1798H.
Identifiers: ClinVar variation 92348 (VCV000092348.49), dbSNP rs201472075, ClinGen allele CA010335.

ClinVar aggregate classification (germline): Conflicting classifications of pathogenicity. Review status: criteria provided, conflicting classifications (1 of 4 stars). 12 submissions from 12 submitters: Uncertain significance (3); Benign (1); Likely benign (7). 1 of the submissions does not count toward it. Last evaluated 2026-08-16.

Conditions:
APC-related disorder. Also called: APC-related condition.
APC-Associated Polyposis Disorders.
Carcinoma of colon (CRC). Also called: Colonic carcinoma; Colon carcinoma. Identifiers: MedGen C0699790, MONDO:0002032.
Hepatocellular carcinoma (HCC). Also called: Primary carcinoma of liver; HEPATOMA; LIVER CELL CARCINOMA. Identifiers: Orphanet 88673, MedGen C2239176, MONDO:0007256, OMIM 114550, HP:0001402.
Familial adenomatous polyposis 1 (FAP1). Also called: POLYPOSIS, ADENOMATOUS INTESTINAL; FAMILIAL ADENOMATOUS POLYPOSIS 1, ATTENUATED. Identifiers: MedGen C2713442, MONDO:0021056, OMIM 175100. Disease mechanism: loss of function.
Neoplasm of stomach. Also called: Gastric neoplasm; Stomach Neoplasms; Neoplasm of the stomach. Identifiers: MedGen C0038356, MONDO:0021085, HP:0006753. Disease mechanism: gain of function. Inheritance: Somatic mutation.
Desmoid disease, hereditary (DESMD). Also called: FIBROMATOSIS, FAMILIAL INFILTRATIVE. Identifiers: Orphanet 873, MedGen C1851124, OMIM 135290. Disease mechanism: loss of function.
Hereditary cancer-predisposing syndrome. Also called: Tumor predisposition; Neoplastic Syndromes, Hereditary; Hereditary neoplastic syndrome; Hereditary Cancer Syndrome. Identifiers: Orphanet 140162, MedGen C0027672, MeSH D009386, MONDO:0015356.

Allele frequency attached by ClinVar (database versions not stated): gnomAD exomes 0.00008 and 0.00004; TOPMed 0.00005; 1000 Genomes Project 0.00020; gnomAD 0.00002 and 0.00003; ExAC 0.00008; 1000 Genomes Project 30x 0.00016.
gnomAD v4.1: 58 of 1,613,150 alleles (0.0036%); highest among the groups gnomAD compares: Middle Eastern, 0.049%; no homozygotes.

Submissions (12):

PreventionGenetics, part of Exact Sciences
Classification: Likely benign for APC-related condition. Last evaluated: 2026-08-16. Review status: criteria provided, single submitter. Criteria: ACMG Guidelines, 2015. Collection method: clinical testing. Allele origin: germline.
Comment: This variant is classified as likely benign based on ACMG/AMP sequence variant interpretation guidelines (Richards et al. 2015 PMID: 25741868, with internal and published modifications).

Labcorp Genetics (formerly Invitae), Labcorp
Classification: Likely benign for Familial adenomatous polyposis 1. Last evaluated: 2026-01-21. Review status: criteria provided, single submitter. Criteria: Invitae Variant Classification Sherloc (09022015). Collection method: clinical testing. Allele origin: germline.

CeGaT Center for Human Genetics Tuebingen
Classification: Likely benign. Last evaluated: 2024-12-01. Review status: criteria provided, single submitter. Criteria: CeGaT Center For Human Genetics Tuebingen Variant Classification Criteria Version 2. Collection method: clinical testing. Allele origin: germline. Affected: yes. Observed: 1 variant allele.
Comment: APC: BP4, BS1

Color Diagnostics, LLC DBA Color Health
Classification: Likely benign for Hereditary cancer-predisposing syndrome. Last evaluated: 2024-09-24. Review status: criteria provided, single submitter. Criteria: ACMG Guidelines, 2015. Collection method: clinical testing. Allele origin: germline.

Women's Health and Genetics/Laboratory Corporation of America, LabCorp
Classification: Benign. Last evaluated: 2023-02-03. Review status: criteria provided, single submitter. Criteria: LabCorp Variant Classification Summary - May 2015. Collection method: clinical testing. Allele origin: germline.
Comment: Variant summary: APC c.5363G>A (p.Arg1788His) results in a non-conservative amino acid change in the encoded protein sequence. Three of five in-silico tools predict a benign effect of the variant on protein function. The variant allele was found at a frequency of 8e-05 in 250160 control chromosomes, predominantly at a frequency of 0.00044 within the Latino subpopulation in the gnomAD database. The observed variant frequency within Latino control individuals in the gnomAD database is approximately 6 fold of the estimated maximal expected allele frequency for a pathogenic variant in APC causing Familial Adenomatous Polyposis phenotype (7.1e-05), strongly suggesting that the variant is a benign polymorphism found primarily in populations of Latino origin. c.5363G>A has been reported in the literature in a study of individuals affected with endometrial cancer undergoing multigene panel testing (Tian_2019), and although immunohistochemistry (IHC) results for MMR proteins in the tumor sample derived from this patient suggested a different etiology, no co-occurring germline variant was found in the MMR genes. This report does not provide unequivocal conclusions about association of the variant with Familial Adenomatous Polyposis. To our knowledge, no experimental evidence demonstrating an impact on protein function has been reported. Seven other clinical diagnostic laboratories have submitted clinical-significance assessments for this variant to ClinVar after 2014 without evidence for independent evaluation. Multiple laboratories reported the variant with conflicting assessments (likely benign, n=4; VUS, n=3). Based on the evidence outlined above, the variant was re-classified as benign.

Quest Diagnostics Nichols Institute San Juan Capistrano
Classification: Likely benign. Last evaluated: 2022-11-01. Review status: criteria provided, single submitter. Criteria: Quest Diagnostics criteria. Collection method: clinical testing. Allele origin: unknown.

GeneDx
Classification: Likely benign. Last evaluated: 2021-05-20. Review status: criteria provided, single submitter. Criteria: GeneDx Variant Classification Process June 2021. Collection method: clinical testing. Allele origin: germline. Affected: yes.
Comment: In silico analysis, which includes protein predictors and evolutionary conservation, supports that this variant does not alter protein structure/function; Observed in an individual with endometrial cancer (Tian 2019); This variant is associated with the following publications: (PMID: 31054147, 23757202)

Ambry Genetics
Classification: Likely benign for Hereditary cancer-predisposing syndrome. Last evaluated: 2020-08-24. Review status: criteria provided, single submitter. Criteria: Ambry Variant Classification Scheme 2023. Collection method: clinical testing. Allele origin: germline.

Fulgent Genetics
Classification: Uncertain significance for Colorectal cancer; Hepatocellular carcinoma; Desmoid disease, hereditary; Familial adenomatous polyposis 1; Gastric cancer. Last evaluated: 2018-10-31. Review status: criteria provided, single submitter. Criteria: ACMG Guidelines, 2015. Collection method: clinical testing. Allele origin: unknown.

Illumina Laboratory Services, Illumina
Classification: Uncertain significance for APC-Associated Polyposis Disorders. Last evaluated: 2018-01-13. Review status: criteria provided, single submitter. Criteria: ICSL Variant Classification Criteria 13 December 2019. Collection method: clinical testing. Allele origin: germline.

Eurofins Ntd Llc (ga)
Classification: Uncertain significance. Last evaluated: 2013-03-12. Review status: criteria provided, single submitter. Criteria: EGL Classification Definitions 2015. Collection method: clinical testing. Allele origin: germline. Observed: 1 variant allele, 1 heterozygote.

Department of Pathology and Laboratory Medicine, Sinai Health System
Classification: Uncertain significance for Familial adenomatous polyposis 1. Review status: no assertion criteria provided. Collection method: clinical testing. Allele origin: unknown. Affected: yes. Observed: 1 variant allele. Study: The Canadian Open Genetics Repository (COGR). Not counted in ClinVar's aggregate classification.
Comment: The APC p.Arg1788His variant was not identified in the literature nor was it identified in GeneInsight-COGR, MutDB, UMD-LSDB, or Zhejiang University Database. The variant was identified in dbSNP (ID: rs201472075) as "With Uncertain significance allele", ClinVar (classified as uncertain significance by GeneDx, Ambry Genetics, Invitae and three other clinical laboratories), Cosmic (1x in prostate tissue), and in LOVD 3.0 databases. The variant was identified in control databases in 20 of 245188 chromosomes at a frequency of 0.00008 (Genome Aggregation Database Feb 27, 2017). The variant was observed in the following populations: Latino in 15 of 33450 chromosomes (freq: 0.0005), European in 4 of 111090 chromosomes (freq: 0.00004), East Asian in 1 of 17178 chromosomes (freq: 0.00006), while the variant was not observed in the African, Other, Ashkenazi Jewish, Finnish, or South Asian populations. The p.Arg1788 residue is not conserved in mammals and four out of five computational analyses (PolyPhen-2, SIFT, AlignGVGD, BLOSUM, MutationTaster) do not suggest a high likelihood of impact to the protein; however, this information is not predictive enough to rule out pathogenicity. The variant occurs outside of the splicing consensus sequence and in silico or computational prediction software programs (SpliceSiteFinder, MaxEntScan, NNSPLICE, GeneSplicer) do not predict a difference in splicing. In summary, based on the above information, the clinical significance of this variant cannot be determined with certainty at this time. This variant is classified as a variant of uncertain significance.

Literature cited by the submitters: PubMed 31054147 (cited by Women's Health and Genetics/Laboratory Corporation of America, LabCorp and Quest Diagnostics Nichols Institute San Juan Capistrano).